The following is an entry in ClinVar:

NM_032043.3(BRIP1):c.332C>T (p.Pro111Leu)

Gene: BRIP1 (BRCA1 interacting DNA helicase 1; minus strand). Cytogenetic location: 17q23.2.
Variant type: single nucleotide variant.
Coding change: c.332C>T on transcript NM_032043.3 (MANE Select); coding-DNA position 332, C replaced by T.
Protein change: p.Pro111Leu; replaces proline 111 with leucine.
Molecular consequence: missense variant.
Genome position (GRCh38, 1-based): chr17:61,857,105, G>A on the plus strand (C>T on the coding strand, the complement: BRIP1 is on the minus strand). VCF-style: chr17-61857105-G-A. GRCh37 (hg19) VCF-style: chr17-59934466-G-A.
Other names: short protein forms P111L.
Identifiers: ClinVar variation 584515 (VCV000584515.4), dbSNP rs201790351, ClinGen allele CA400485349.

ClinVar aggregate classification (germline): Uncertain significance. Review status: criteria provided, multiple submitters, no conflicts (2 of 4 stars). 2 submissions from 2 submitters: Uncertain significance (2). Last evaluated 2023-12-07.

Conditions:
Familial cancer of breast. Also called: hereditary breast carcinoma; BREAST CANCER, FAMILIAL; Hereditary breast cancer. Identifiers: Orphanet 227535, MedGen C0346153, MONDO:0016419, OMIM 114480. Disease mechanism: loss of function.
Fanconi anemia complementation group J. Also called: BRIP1-Related Fanconi Anemia. Identifiers: Orphanet 84, MedGen C1836860, MONDO:0012187, OMIM 609054.
Hereditary cancer-predisposing syndrome. Also called: Neoplastic Syndromes, Hereditary; Hereditary Cancer Syndrome; Tumor predisposition; Hereditary neoplastic syndrome. Identifiers: Orphanet 140162, MedGen C0027672, MeSH D009386, MONDO:0015356.

Submissions (2):

Labcorp Genetics (formerly Invitae), Labcorp
Classification: Uncertain significance for Familial cancer of breast; Fanconi anemia complementation group J. Last evaluated: 2023-12-07. Review status: criteria provided, single submitter. Criteria: Invitae Variant Classification Sherloc (09022015). Collection method: clinical testing. Allele origin: germline.
Comment: This sequence change replaces proline, which is neutral and non-polar, with leucine, which is neutral and non-polar, at codon 111 of the BRIP1 protein (p.Pro111Leu). This variant is not present in population databases (gnomAD no frequency). This variant has not been reported in the literature in individuals affected with BRIP1-related conditions. ClinVar contains an entry for this variant (Variation ID: 584515). Advanced modeling of protein sequence and biophysical properties (such as structural, functional, and spatial information, amino acid conservation, physicochemical variation, residue mobility, and thermodynamic stability) performed at Invitae indicates that this missense variant is not expected to disrupt BRIP1 protein function with a negative predictive value of 80%. In summary, the available evidence is currently insufficient to determine the role of this variant in disease. Therefore, it has been classified as a Variant of Uncertain Significance.

GeneKor MSA
Classification: Uncertain significance for Hereditary cancer-predisposing syndrome. Last evaluated: 2018-08-01. Review status: criteria provided, single submitter. Criteria: ACMG Guidelines, 2015. Collection method: clinical testing. Allele origin: germline. Affected: yes.